The following is an entry in ClinVar:

NM_005045.4(RELN):c.8453G>T (p.Arg2818Met)

Genes: RELN (reelin; minus strand), SLC26A5-AS1 (SLC26A5 antisense RNA 1; plus strand). Cytogenetic location: 7q22.1.
Variant type: single nucleotide variant.
Coding change: c.8453G>T on transcript NM_005045.4 (MANE Select); coding-DNA position 8453, G replaced by T.
Protein change: p.Arg2818Met; replaces arginine 2818 with methionine.
Molecular consequence: missense variant.
Genome position (GRCh38, 1-based): chr7:103,503,052, C>A on the plus strand (G>T on the coding strand, the complement: RELN is on the minus strand). VCF-style: chr7-103503052-C-A. GRCh37 (hg19) VCF-style: chr7-103143499-C-A.
Other names: c.8453G>T, p.Arg2818Met (NM_173054.3); short protein forms R2818M.
Identifiers: ClinVar variation 2132848 (VCV002132848.4), dbSNP rs1452648540, ClinGen allele CA368756746.
Genomic context (GRCh38, chr7:103,503,052, plus strand): 5'-GCTTTGTTTTAGTTTTCTACTTACTTTCCCACTAAGCTTTCAGGAAGTGGGTAGGTGATC[C>A]TTTTCCACCCTTTAGTTGGAAAGAATACAGATGGCTGAGAAACACTTCCAGAGCATTTTG-3'
Protein context (NP_005036.2, residues 2808-2828): SVFFPTKGWK[Arg2818Met]ITYPLPESLV

ClinVar aggregate classification (germline): Uncertain significance (1 of 4 stars; one submission).

Conditions:
Norman-Roberts syndrome (LIS2). Also called: Lissencephaly 2 (Norman-Roberts type). Identifiers: Orphanet 89844, MedGen C0796089, MONDO:0009760, OMIM 257320.
Familial temporal lobe epilepsy 7. Identifiers: Orphanet 101046, MedGen C4225327, MONDO:0014639, OMIM 616436.

Allele frequency attached by ClinVar (database versions not stated): gnomAD 0.00001.
gnomAD v4.1: 1 of 1,614,032 alleles (0.000062%); no homozygotes.

Submission:

Labcorp Genetics (formerly Invitae), Labcorp
Classification: Uncertain significance for Familial temporal lobe epilepsy 7; Norman-Roberts syndrome. Last evaluated: 2022-05-03. Review status: criteria provided, single submitter. Criteria: Invitae Variant Classification Sherloc (09022015). Collection method: clinical testing. Allele origin: germline.
Comment: This sequence change replaces arginine, which is basic and polar, with methionine, which is neutral and non-polar, at codon 2818 of the RELN protein (p.Arg2818Met). In summary, the available evidence is currently insufficient to determine the role of this variant in disease. Therefore, it has been classified as a Variant of Uncertain Significance. Algorithms developed to predict the effect of missense changes on protein structure and function are either unavailable or do not agree on the potential impact of this missense change (SIFT: "Deleterious"; PolyPhen-2: "Possibly Damaging"; Align-GVGD: "Class C0"). This variant has not been reported in the literature in individuals affected with RELN-related conditions. This variant is present in population databases (no rsID available, gnomAD 0.03%).